The following is an entry in ClinVar:

ClinVar aggregate classification (germline): Uncertain significance (1 of 4 stars; one submission).

Allele frequency attached by ClinVar (database versions not stated): ExAC 0.00002; gnomAD exomes 0.00002 and 0.00004; gnomAD 0.00005 and 0.00006; TOPMed 0.00013.
gnomAD v4.1: 49 of 1,613,576 alleles (0.003%); highest among the groups gnomAD compares: Admixed American, 0.025%; no homozygotes.

Submission:

Labcorp Genetics (formerly Invitae), Labcorp
Classification: Uncertain significance. Last evaluated: 2026-02-01. Review status: criteria provided, single submitter. Criteria: Invitae Variant Classification Sherloc (09022015). Collection method: clinical testing. Allele origin: germline.
Comment: This sequence change falls in intron 3 of the CRAT gene. It does not directly change the encoded amino acid sequence of the CRAT protein. This variant is present in population databases (rs774794770, gnomAD 0.02%). This variant has not been reported in the literature in individuals affected with CRAT-related conditions. ClinVar contains an entry for this variant (Variation ID: 1407024). Algorithms developed to predict the effect of sequence changes on RNA splicing suggest that this variant may disrupt the consensus splice site. In summary, the available evidence is currently insufficient to determine the role of this variant in disease. Therefore, it has been classified as a Variant of Uncertain Significance.

NM_000755.5(CRAT):c.411-10A>G

Gene: CRAT (carnitine O-acetyltransferase; minus strand). Cytogenetic location: 9q34.11.
Variant type: single nucleotide variant.
Coding change: c.411-10A>G on transcript NM_000755.5 (MANE Select); 10 bases into the intron before coding-DNA position 411, A replaced by G.
Molecular consequence: intron variant.
Genome position (GRCh38, 1-based): chr9:129,103,076, T>C on the plus strand (A>G on the coding strand, the complement: CRAT is on the minus strand). VCF-style: chr9-129103076-T-C. GRCh37 (hg19) VCF-style: chr9-131865355-T-C.
Other names: c.291-10A>G (NM_001346549.2); c.411-10A>G (NM_001346547.2); c.348-10A>G (NM_001346548.2, NM_001257363.3, NM_004003.4); c.414-10A>G (NM_001346546.2).
Identifiers: ClinVar variation 1407024 (VCV001407024.7), dbSNP rs774794770, ClinGen allele CA5275758.